The following is an entry in ClinVar:

ClinVar aggregate classification (germline): Uncertain significance. Review status: criteria provided, single submitter (1 of 4 stars). 2 submissions from 2 submitters: Uncertain significance (1). 1 of the submissions does not count toward it. Last evaluated 2019-06-15.

Conditions:
Early-infantile DEE. Also called: Early infantile epileptic encephalopathy; Ohtahara syndrome; Early infantile epileptic encephalopathy with suppression bursts. Identifiers: Orphanet 1934, MedGen C0393706, MONDO:0800491.
Autism (AUTS). Also called: Autistic disorder; Autistic disorder of childhood onset. Identifiers: MedGen C0004352, MeSH D001321, MONDO:0005260, OMIM 209850, HP:0000717.

Submissions (2):

Labcorp Genetics (formerly Invitae), Labcorp
Classification: Uncertain significance for Early-infantile DEE. Last evaluated: 2019-06-15. Review status: criteria provided, single submitter. Criteria: Invitae Variant Classification Sherloc (09022015). Collection method: clinical testing. Allele origin: germline.
Comment: In summary, the available evidence is currently insufficient to determine the role of this variant in disease. Therefore, it has been classified as a Variant of Uncertain Significance. Algorithms developed to predict the effect of sequence changes on RNA splicing suggest that this variant may create or strengthen a splice site, but this prediction has not been confirmed by published transcriptional studies. Algorithms developed to predict the effect of missense changes on protein structure and function are either unavailable or do not agree on the potential impact of this missense change (SIFT: "Deleterious"; PolyPhen-2: "Benign"; Align-GVGD: "Class C0"). This variant has been observed in an individual affected with epilepsy and/or a neurodevelopmental disorder (PMID: 29655203). This variant is not present in population databases (ExAC no frequency). This sequence change replaces methionine with isoleucine at codon 1536 of the SCN8A protein (p.Met1536Ile). The methionine residue is highly conserved and there is a small physicochemical difference between methionine and isoleucine.

Centre for Addiction & Mental Health
Classification: Uncertain significance for Autism. Review status: no assertion criteria provided. Collection method: research. Allele origin: de novo. Affected: yes. Observed: 1 heterozygote. Segregation with disease not observed. Not counted in ClinVar's aggregate classification.
Comment: Nonsynonymous variant in known disease gene; no homozygotes in gnomAD control data, but no functional assay data available

Literature cited by the submitters: PubMed 29655203 (cited by Labcorp Genetics (formerly Invitae), Labcorp).

NM_001330260.2(SCN8A):c.4608G>A (p.Met1536Ile)

Gene: SCN8A (sodium voltage-gated channel alpha subunit 8; plus strand). Cytogenetic location: 12q13.13.
Variant type: single nucleotide variant.
Coding change: c.4608G>A on transcript NM_001330260.2 (MANE Select); coding-DNA position 4608, G replaced by A.
Protein change: p.Met1536Ile; replaces methionine 1536 with isoleucine.
Molecular consequence: missense variant.
Genome position (GRCh38, 1-based): chr12:51,794,454, G>A. VCF-style: chr12-51794454-G-A. GRCh37 (hg19) VCF-style: chr12-52188238-G-A.
Other names: c.4485G>A, p.Met1495Ile (NM_001177984.3, NM_001369788.1); c.4608G>A, p.Met1536Ile (NM_014191.4); short protein forms M1495I, M1536I.
Identifiers: ClinVar variation 940563 (VCV000940563.12), dbSNP rs1938352290, ClinGen allele CA384878840.